The following is an entry in ClinVar:

ClinVar aggregate classification (germline): Uncertain significance (1 of 4 stars; one submission).

Allele frequency attached by ClinVar (database versions not stated): ExAC 0.00002.
gnomAD v4.1: 3 of 1,613,982 alleles (0.00019%); highest among the groups gnomAD compares: Admixed American, 0.005%; no homozygotes.

Submission:

Labcorp Genetics (formerly Invitae), Labcorp
Classification: Uncertain significance. Last evaluated: 2023-07-28. Review status: criteria provided, single submitter. Criteria: Invitae Variant Classification Sherloc (09022015). Collection method: clinical testing. Allele origin: germline.
Comment: In summary, the available evidence is currently insufficient to determine the role of this variant in disease. Therefore, it has been classified as a Variant of Uncertain Significance. Algorithms developed to predict the effect of missense changes on protein structure and function output the following: SIFT: "Not Available"; PolyPhen-2: "Benign"; Align-GVGD: "Not Available". The histidine amino acid residue is found in multiple mammalian species, which suggests that this missense change does not adversely affect protein function. This variant has not been reported in the literature in individuals affected with SIRT1-related conditions. This variant is present in population databases (rs765609303, gnomAD 0.01%). This sequence change replaces proline, which is neutral and non-polar, with histidine, which is basic and polar, at codon 688 of the SIRT1 protein (p.Pro688His).

NM_012238.5(SIRT1):c.2063C>A (p.Pro688His)

Gene: SIRT1 (sirtuin 1; plus strand). Cytogenetic location: 10q21.3.
Variant type: single nucleotide variant.
Coding change: c.2063C>A on transcript NM_012238.5 (MANE Select); coding-DNA position 2063, C replaced by A.
Protein change: p.Pro688His; replaces proline 688 with histidine.
Molecular consequence: missense variant.
Genome position (GRCh38, 1-based): chr10:67,916,412, C>A. VCF-style: chr10-67916412-C-A. GRCh37 (hg19) VCF-style: chr10-69676169-C-A.
Other names: c.1178C>A, p.Pro393His (NM_001142498.2); c.1154C>A, p.Pro385His (NM_001314049.2); short protein forms P385H, P688H, P393H.
Identifiers: ClinVar variation 2895430 (VCV002895430.3), dbSNP rs765609303, ClinGen allele CA5521405.